The following is an entry in ClinVar:

ClinVar aggregate classification (germline): Benign/Likely benign. Review status: criteria provided, multiple submitters, no conflicts (2 of 4 stars). 6 submissions from 6 submitters: Benign (2); Likely benign (4). Last evaluated 2026-01-23.

Conditions:
Netherton syndrome (NETH). Also called: ERYTHRODERMA, ICHTHYOSIFORM, WITH HYPOTRICHOSIS AND HYPER-IgE; COMEL-NETHERTON SYNDROME; NETHERTON DISEASE. Identifiers: Orphanet 634, MedGen C5574950, MONDO:0009735, OMIM 256500.
Ichthyosis linearis circumflexa. Identifiers: MedGen C0265962, MONDO:0043106, HP:0025810.

Allele frequency attached by ClinVar (database versions not stated): gnomAD exomes 0.00054; ExAC 0.00145; ESP Exome Variant Server 0.00311; gnomAD 0.00332 and 0.00360; TOPMed 0.00416; 1000 Genomes Project 30x 0.00468; 1000 Genomes Project 0.00519.
gnomAD v4.1: 1,331 of 1,612,726 alleles (0.083%); highest among the groups gnomAD compares: African/African-American, 1.1%; 5 homozygotes.

Submissions (6):

Women's Health and Genetics/Laboratory Corporation of America, LabCorp
Classification: Likely benign. Last evaluated: 2026-01-23. Review status: criteria provided, single submitter. Criteria: LabCorp Variant Classification Summary - May 2015. Collection method: clinical testing. Allele origin: germline.

Labcorp Genetics (formerly Invitae), Labcorp
Classification: Benign for Ichthyosis linearis circumflexa. Last evaluated: 2026-01-19. Review status: criteria provided, single submitter. Criteria: Invitae Variant Classification Sherloc (09022015). Collection method: clinical testing. Allele origin: germline.

Blueprint Genetics
Classification: Likely benign. Last evaluated: 2024-11-26. Review status: criteria provided, single submitter. Criteria: ACMG Guidelines, 2015. Collection method: clinical testing. Allele origin: germline.

Illumina Laboratory Services, Illumina
Classification: Benign for Netherton syndrome. Last evaluated: 2018-01-13. Review status: criteria provided, single submitter. Criteria: ICSL Variant Classification Criteria 13 December 2019. Collection method: clinical testing. Allele origin: germline.
Comment: This variant was observed in the ICSL laboratory as part of a predisposition screen in an ostensibly healthy population. It had not been previously curated by ICSL or reported in the Human Gene Mutation Database (HGMD: prior to June 1st, 2018), and was therefore a candidate for classification through an automated scoring system. Utilizing variant allele frequency, disease prevalence and penetrance estimates, and inheritance mode, an automated score was calculated to assess if this variant is too frequent to cause the disease. Based on the score and internal cut-off values, a variant classified as benign is not then subjected to further curation. The score for this variant resulted in a classification of benign for this disease.

GeneDx
Classification: Likely benign. Last evaluated: 2016-08-22. Review status: criteria provided, single submitter. Criteria: GeneDx Variant Classification (06012015). Collection method: clinical testing. Allele origin: germline. Affected: yes.
Comment: This variant is considered likely benign or benign based on one or more of the following criteria: it is a conservative change, it occurs at a poorly conserved position in the protein, it is predicted to be benign by multiple in silico algorithms, and/or has population frequency not consistent with disease.

Breakthrough Genomics
Classification: Likely benign. Review status: criteria provided, single submitter. Criteria: ACMG Guidelines, 2015. Collection method: not provided. Allele origin: germline. Inheritance: Autosomal recessive inheritance. Affected: yes.

NM_006846.4(SPINK5):c.1128C>T (p.Asn376=)

Gene: SPINK5 (serine peptidase inhibitor Kazal type 5; plus strand). Cytogenetic location: 5q32.
Variant type: single nucleotide variant.
Coding change: c.1128C>T on transcript NM_006846.4 (MANE Select); coding-DNA position 1128, C replaced by T.
Protein change: p.Asn376=; no amino-acid change (asparagine 376 retained).
Molecular consequence: synonymous variant.
Genome position (GRCh38, 1-based): chr5:148,100,489, C>T. VCF-style: chr5-148100489-C-T. GRCh37 (hg19) VCF-style: chr5-147480052-C-T.
Other names: c.1128C>T, p.Asn376= (NM_001127698.2, NM_001127699.2).
Identifiers: ClinVar variation 351521 (VCV000351521.18), dbSNP rs78128189, ClinGen allele CA3495485.